The following is an entry in ClinVar:

ClinVar aggregate classification (germline): Benign. Review status: criteria provided, multiple submitters, no conflicts (2 of 4 stars). 3 submissions from 3 submitters: Benign (3). Last evaluated 2021-05-14.

Conditions:
Factor VII-activating protease marburg I. Identifiers: MedGen CN068943.

Allele frequency attached by ClinVar (database versions not stated): 1000 Genomes Project 30x 0.08354; 1000 Genomes Project 0.08586; TOPMed 0.09097; gnomAD exomes 0.10739.
gnomAD v4.1: 122,169 of 1,156,238 alleles (11%); highest among the groups gnomAD compares: Middle Eastern, 12%; 7,042 homozygotes.

Submissions (3):

GeneDx
Classification: Benign. Last evaluated: 2021-05-14. Review status: criteria provided, single submitter. Criteria: GeneDx Variant Classification Process June 2021. Collection method: clinical testing. Allele origin: germline. Affected: yes.

Illumina Laboratory Services, Illumina
Classification: Benign for Factor VII Marburg I Variant Thrombophilia. Last evaluated: 2018-01-12. Review status: criteria provided, single submitter. Criteria: ICSL Variant Classification Criteria 13 December 2019. Collection method: clinical testing. Allele origin: germline.
Comment: This variant was observed in the ICSL laboratory as part of a predisposition screen in an ostensibly healthy population. It had not been previously curated by ICSL or reported in the Human Gene Mutation Database (HGMD: prior to June 1st, 2018), and was therefore a candidate for classification through an automated scoring system. Utilizing variant allele frequency, disease prevalence and penetrance estimates, and inheritance mode, an automated score was calculated to assess if this variant is too frequent to cause the disease. Based on the score and internal cut-off values, a variant classified as benign is not then subjected to further curation. The score for this variant resulted in a classification of benign for this disease.

Breakthrough Genomics
Classification: Benign. Review status: criteria provided, single submitter. Criteria: ACMG Guidelines, 2015. Collection method: not provided. Allele origin: germline. Inheritance: Autosomal dominant inheritance. Affected: yes.

NM_198060.4(NRAP):c.5089-78C>T

Genes: HABP2 (hyaluronan binding protein 2; plus strand), NRAP (nebulin related anchoring protein; minus strand). Cytogenetic location: 10q25.3.
Variant type: single nucleotide variant.
Coding change: c.5089-78C>T on transcript NM_198060.4 (MANE Select); 78 bases into the intron before coding-DNA position 5089, C replaced by T.
Molecular consequence: intron variant. On other transcripts: 3 prime UTR variant (2).
Genome position (GRCh38, 1-based): chr10:113,589,157, G>A on the plus strand (C>T on the coding strand, the complement: NRAP is on the minus strand). VCF-style: chr10-113589157-G-A. GRCh37 (hg19) VCF-style: chr10-115348916-G-A.
Other names: c.*788G>A (NM_001177660.3, NM_004132.5); c.4984-78C>T (NM_006175.5); c.4981-78C>T (NM_001322945.2); c.5089-75C>T (NM_001261463.2).
Identifiers: ClinVar variation 298935 (VCV000298935.8), dbSNP rs10885478, ClinGen allele CA10634738.
Genomic context (GRCh38, chr10:113,589,157, plus strand): 5'-ACCCCAAGTTAAAATGAAGCTCCCCCACCCCCACTCCCGGCCCCGGTTCCCACAGGACAC[G>A]CTAAGAAGCACAGGGAGCATTTAACAGGCTCACCCTCCCTTTCCTTTTCCCCTCTTCTAC-3'